The following is an entry in ClinVar:

ClinVar aggregate classification (germline): Uncertain significance (1 of 4 stars; one submission).

Submission:

Labcorp Genetics (formerly Invitae), Labcorp
Classification: Uncertain significance. Last evaluated: 2024-09-06. Review status: criteria provided, single submitter. Criteria: Invitae Variant Classification Sherloc (09022015). Collection method: clinical testing. Allele origin: germline.
Comment: This sequence change falls in intron 1 of the DNA2 gene. It does not directly change the encoded amino acid sequence of the DNA2 protein. This variant is not present in population databases (gnomAD no frequency). This variant has not been reported in the literature in individuals affected with DNA2-related conditions. ClinVar contains an entry for this variant (Variation ID: 2130444). Algorithms developed to predict the effect of sequence changes on RNA splicing suggest that this variant may create or strengthen a splice site. In summary, the available evidence is currently insufficient to determine the role of this variant in disease. Therefore, it has been classified as a Variant of Uncertain Significance.

NM_001080449.3(DNA2):c.74+17G>T

Gene: DNA2 (DNA replication helicase/nuclease 2; minus strand). Cytogenetic location: 10q21.3.
Variant type: single nucleotide variant.
Coding change: c.74+17G>T on transcript NM_001080449.3 (MANE Select); 17 bases into the intron after coding-DNA position 74, G replaced by T.
Molecular consequence: intron variant.
Genome position (GRCh38, 1-based): chr10:68,471,774, C>A on the plus strand (G>T on the coding strand, the complement: DNA2 is on the minus strand). VCF-style: chr10-68471774-C-A. GRCh37 (hg19) VCF-style: chr10-70231531-C-A.
Identifiers: ClinVar variation 2130444 (VCV002130444.4), dbSNP rs751271252, ClinGen allele CA2580081746.